The following is an entry in ClinVar:

ClinVar aggregate classification (germline): Uncertain significance (1 of 4 stars; one submission).

Allele frequency attached by ClinVar (database versions not stated): TOPMed below 0.00001; ExAC 0.00001; gnomAD 0.00001; gnomAD exomes 0.00001; 1000 Genomes Project 30x 0.00016; 1000 Genomes Project 0.00020.
gnomAD v4.1: 11 of 1,613,928 alleles (0.00068%); highest among the groups gnomAD compares: African/African-American, 0.004%; no homozygotes.

Submission:

Labcorp Genetics (formerly Invitae), Labcorp
Classification: Uncertain significance. Last evaluated: 2025-12-03. Review status: criteria provided, single submitter. Criteria: Invitae Variant Classification Sherloc (09022015). Collection method: clinical testing. Allele origin: germline.
Comment: This sequence change replaces alanine, which is neutral and non-polar, with valine, which is neutral and non-polar, at codon 1535 of the PLXNA2 protein (p.Ala1535Val). This variant is present in population databases (rs566013352, gnomAD 0.007%). This variant has not been reported in the literature in individuals affected with PLXNA2-related conditions. ClinVar contains an entry for this variant (Variation ID: 2889180). Invitae Evidence Modeling of protein sequence and biophysical properties (such as structural, functional, and spatial information, amino acid conservation, physicochemical variation, residue mobility, and thermodynamic stability) indicates that this missense variant is not expected to disrupt PLXNA2 protein function with a negative predictive value of 80%. In summary, the available evidence is currently insufficient to determine the role of this variant in disease. Therefore, it has been classified as a Variant of Uncertain Significance.

NM_025179.4(PLXNA2):c.4604C>T (p.Ala1535Val)

Gene: PLXNA2 (plexin A2; minus strand). Cytogenetic location: 1q32.2.
Variant type: single nucleotide variant.
Coding change: c.4604C>T on transcript NM_025179.4 (MANE Select); coding-DNA position 4604, C replaced by T.
Protein change: p.Ala1535Val; replaces alanine 1535 with valine.
Molecular consequence: missense variant.
Genome position (GRCh38, 1-based): chr1:208,038,881, G>A on the plus strand (C>T on the coding strand, the complement: PLXNA2 is on the minus strand). VCF-style: chr1-208038881-G-A. GRCh37 (hg19) VCF-style: chr1-208212226-G-A.
Other names: short protein forms A1535V.
Identifiers: ClinVar variation 2889180 (VCV002889180.3), dbSNP rs566013352, ClinGen allele CA1372835.